The following is an entry in ClinVar:

ClinVar aggregate classification (germline): Uncertain significance. Review status: criteria provided, multiple submitters, no conflicts (2 of 4 stars). 2 submissions from 2 submitters: Uncertain significance (2). Last evaluated 2021-09-29.

Conditions:
Beckwith-Wiedemann syndrome (BWS). Also called: EMG SYNDROME; Exomphalos macroglossia gigantism syndrome. Identifiers: Orphanet 116, MedGen C0004903, MONDO:0007534, OMIM 130650.

gnomAD v4.1: 1 of 1,485,880 alleles (0.000067%); highest among the groups gnomAD compares: Non-Finnish European, 0.000089%; no homozygotes.

Submissions (2):

Blueprint Genetics
Classification: Uncertain significance. Last evaluated: 2021-09-29. Review status: criteria provided, single submitter. Criteria: ACMG Guidelines, 2015. Collection method: clinical testing. Allele origin: germline.

Labcorp Genetics (formerly Invitae), Labcorp
Classification: Uncertain significance for Beckwith-Wiedemann syndrome. Last evaluated: 2020-02-24. Review status: criteria provided, single submitter. Criteria: Invitae Variant Classification Sherloc (09022015). Collection method: clinical testing. Allele origin: germline.
Comment: In summary, the available evidence is currently insufficient to determine the role of this variant in disease. Therefore, it has been classified as a Variant of Uncertain Significance. Algorithms developed to predict the effect of missense changes on protein structure and function (SIFT, PolyPhen-2, Align-GVGD) all suggest that this variant is likely to be tolerated, but these predictions have not been confirmed by published functional studies and their clinical significance is uncertain. This variant has not been reported in the literature in individuals with CDKN1C-related disease. While this variant is not present in population databases, the frequency information is unreliable, as metrics indicate poor data quality at this position in the ExAC database. This sequence change replaces glutamic acid with glutamine at codon 120 of the CDKN1C protein (p.Glu120Gln). The glutamic acid residue is weakly conserved and there is a small physicochemical difference between glutamic acid and glutamine.

NM_001122630.2(CDKN1C):c.325G>C (p.Glu109Gln)

Gene: CDKN1C (cyclin dependent kinase inhibitor 1C; minus strand). Cytogenetic location: 11p15.4.
Variant type: single nucleotide variant.
Coding change: c.325G>C on transcript NM_001122630.2 (MANE Select); coding-DNA position 325, G replaced by C.
Protein change: p.Glu109Gln; replaces glutamic acid 109 with glutamine.
Molecular consequence: missense variant. On other transcripts: intron variant (1).
Genome position (GRCh38, 1-based): chr11:2,885,132, C>G on the plus strand (G>C on the coding strand, the complement: CDKN1C is on the minus strand). VCF-style: chr11-2885132-C-G. GRCh37 (hg19) VCF-style: chr11-2906362-C-G.
Other names: c.358G>C, p.Glu120Gln (NM_000076.2, NM_001362474.2, LRG_533t1); c.325G>C, p.Glu109Gln (NM_001122631.2); c.255+70G>C (NM_001362475.2); short protein forms E120Q, E109Q.
Identifiers: ClinVar variation 571760 (VCV000571760.9), dbSNP rs1220263188, ClinGen allele CA379146866.